The following is an entry in ClinVar:

ClinVar aggregate classification (germline): Likely benign (1 of 4 stars; one submission).

Allele frequency attached by ClinVar (database versions not stated): gnomAD exomes below 0.00001; TOPMed below 0.00001; gnomAD 0.00001.
gnomAD v4.1: 2 of 1,198,865 alleles (0.00017%); highest among the groups gnomAD compares: Non-Finnish European, 0.00022%; no homozygotes.

Submission:

CeGaT Center for Human Genetics Tuebingen
Classification: Likely benign. Last evaluated: 2024-05-01. Review status: criteria provided, single submitter. Criteria: CeGaT Center For Human Genetics Tuebingen Variant Classification Criteria Version 2. Collection method: clinical testing. Allele origin: germline. Affected: yes. Observed: 1 variant allele.
Comment: BGN: BP4, BP7

NM_001711.6(BGN):c.900G>A (p.Lys300=)

Gene: BGN (biglycan; plus strand). Cytogenetic location: Xq28.
Variant type: single nucleotide variant.
Coding change: c.900G>A on transcript NM_001711.6 (MANE Select); coding-DNA position 900, G replaced by A.
Protein change: p.Lys300=; no amino-acid change (lysine 300 retained).
Molecular consequence: synonymous variant.
Genome position (GRCh38, 1-based): chrX:153,507,176, G>A. VCF-style: chrX-153507176-G-A. GRCh37 (hg19) VCF-style: chrX-152772634-G-A.
Identifiers: ClinVar variation 3239336 (VCV003239336.19), dbSNP rs1410867157.